The following is an entry in ClinVar:

NM_020975.6(RET):c.1301G>A (p.Ser434Asn)

Gene: RET (ret proto-oncogene; plus strand). Cytogenetic location: 10q11.21.
Variant type: single nucleotide variant.
Coding change: c.1301G>A on transcript NM_020975.6 (MANE Select); coding-DNA position 1301, G replaced by A.
Protein change: p.Ser434Asn; replaces serine 434 with asparagine.
Molecular consequence: missense variant.
Genome position (GRCh38, 1-based): chr10:43,111,244, G>A. VCF-style: chr10-43111244-G-A. GRCh37 (hg19) VCF-style: chr10-43606692-G-A.
Other names: c.1301G>A, p.Ser434Asn (NM_000323.2, NM_001406743.1, NM_001406744.1 and 6 more transcripts); c.539G>A, p.Ser180Asn (NM_001355216.2); c.1172G>A, p.Ser391Asn (NM_001406761.1, NM_001406762.1, NM_001406764.1 and 1 more transcripts); c.1013G>A, p.Ser338Asn (NM_001406766.1, NM_001406767.1, NM_001406770.1); c.905G>A, p.Ser302Asn (NM_001406769.1, NM_001406772.1); c.863G>A, p.Ser288Asn (NM_001406771.1, NM_001406773.1); c.776G>A, p.Ser259Asn (NM_001406774.1); c.575G>A, p.Ser192Asn (NM_001406775.1, NM_001406776.1, NM_001406777.1 and 1 more transcripts); and 1 more; short protein forms S259N, S288N, S302N, S338N, S391N, S434N, S104N, S180N.
Identifiers: ClinVar variation 2421320 (VCV002421320.7), dbSNP rs2132766849, ClinGen allele CA376548944.

ClinVar aggregate classification (germline): Conflicting classifications of pathogenicity. Review status: criteria provided, conflicting classifications (1 of 4 stars). 2 submissions from 2 submitters: Uncertain significance (1); Likely benign (1). Last evaluated 2025-09-25.

Conditions:
Hereditary cancer-predisposing syndrome. Also called: Hereditary Cancer Syndrome; Tumor predisposition; Neoplastic Syndromes, Hereditary; Hereditary neoplastic syndrome. Identifiers: Orphanet 140162, MedGen C0027672, MeSH D009386, MONDO:0015356.
Multiple endocrine neoplasia, type 2 (MEN2). Identifiers: Orphanet 653, MedGen C4048306, MONDO:0019003. Disease mechanism: gain of function.

Submissions (2):

Labcorp Genetics (formerly Invitae), Labcorp
Classification: Uncertain significance for Multiple endocrine neoplasia, type 2. Last evaluated: 2025-09-25. Review status: criteria provided, single submitter. Criteria: Invitae Variant Classification Sherloc (09022015). Collection method: clinical testing. Allele origin: germline.
Comment: This sequence change replaces serine, which is neutral and polar, with asparagine, which is neutral and polar, at codon 434 of the RET protein (p.Ser434Asn). This variant is not present in population databases (gnomAD no frequency). This variant has not been reported in the literature in individuals affected with RET-related conditions. ClinVar contains an entry for this variant (Variation ID: 2421320). An algorithm developed to predict the effect of missense changes on protein structure and function (PolyPhen-2) suggests that this variant is likely to be tolerated. In summary, the available evidence is currently insufficient to determine the role of this variant in disease. Therefore, it has been classified as a Variant of Uncertain Significance.

Ambry Genetics
Classification: Likely benign for Hereditary cancer-predisposing syndrome. Last evaluated: 2025-08-19. Review status: criteria provided, single submitter. Criteria: Ambry Variant Classification Scheme 2023. Collection method: clinical testing. Allele origin: germline.